The following is an entry in ClinVar:

NM_001165963.4(SCN1A):c.4247A>G (p.Asp1416Gly)

Genes: SCN1A (sodium voltage-gated channel alpha subunit 1; minus strand), LOC102724058 (uncharacterized LOC102724058; plus strand). Cytogenetic location: 2q24.3.
Variant type: single nucleotide variant.
Coding change: c.4247A>G on transcript NM_001165963.4 (MANE Select); coding-DNA position 4247, A replaced by G.
Protein change: p.Asp1416Gly; replaces aspartic acid 1416 with glycine.
Molecular consequence: missense variant. On other transcripts: non-coding transcript variant (1).
Genome position (GRCh38, 1-based): chr2:166,002,509, T>C on the plus strand (A>G on the coding strand, the complement: SCN1A is on the minus strand). VCF-style: chr2-166002509-T-C. GRCh37 (hg19) VCF-style: chr2-166859019-T-C.
Other names: c.4163A>G, p.Asp1388Gly (NM_001165964.3, NM_001353957.2, NM_001353958.2); c.4247A>G, p.Asp1416Gly (NM_001202435.3, NM_001353948.2); c.4214A>G, p.Asp1405Gly (NM_001353949.2, NM_001353950.2, NM_001353951.2 and 2 more transcripts); c.4211A>G, p.Asp1404Gly (NM_001353954.2, NM_001353955.2); c.4160A>G, p.Asp1387Gly (NM_001353960.2); c.1805A>G, p.Asp602Gly (NM_001353961.2); short protein forms D1387G, D1388G, D1404G, D602G, D1405G, D1416G.
Identifiers: ClinVar variation 1455814 (VCV001455814.9), dbSNP rs2105507958, ClinGen allele CA349049938.

ClinVar aggregate classification (germline): Pathogenic (1 of 4 stars; one submission).

Conditions:
Early-infantile DEE. Also called: Early infantile epileptic encephalopathy; Ohtahara syndrome; Early infantile epileptic encephalopathy with suppression bursts. Identifiers: Orphanet 1934, MedGen C0393706, MONDO:0800491.

Submission:

Labcorp Genetics (formerly Invitae), Labcorp
Classification: Pathogenic for Early-infantile DEE. Last evaluated: 2021-06-12. Review status: criteria provided, single submitter. Criteria: Invitae Variant Classification Sherloc (09022015). Collection method: clinical testing. Allele origin: germline.
Comment: For these reasons, this variant has been classified as Pathogenic. Algorithms developed to predict the effect of sequence changes on RNA splicing suggest that this variant may create or strengthen a splice site, but this prediction has not been confirmed by published transcriptional studies. Advanced modeling of protein sequence and biophysical properties (such as structural, functional, and spatial information, amino acid conservation, physicochemical variation, residue mobility, and thermodynamic stability) performed at Invitae indicates that this missense variant is expected to disrupt SCN1A protein function. This variant has been observed in individual(s) with Dravet syndrome (PMID: 18930999). In at least one individual the variant was observed to be de novo. This variant is not present in population databases (ExAC no frequency). This sequence change replaces aspartic acid with glycine at codon 1416 of the SCN1A protein (p.Asp1416Gly). The aspartic acid residue is highly conserved and there is a moderate physicochemical difference between aspartic acid and glycine.

Literature cited by the submitters: PubMed 18930999.